The following is an entry in ClinVar:

ClinVar aggregate classification (germline): Uncertain significance (1 of 4 stars; one submission).

Conditions:
Severe combined immunodeficiency due to DNA-PKcs deficiency. Also called: IMMUNODEFICIENCY 26 WITH NEUROLOGIC ABNORMALITIES; Immunodeficiency 26 with or without neurologic abnormalities. Identifiers: Orphanet 317425, MedGen C4014833, MONDO:0014423, OMIM 615966.

Submission:

Labcorp Genetics (formerly Invitae), Labcorp
Classification: Uncertain significance for Severe combined immunodeficiency due to DNA-PKcs deficiency. Last evaluated: 2020-08-18. Review status: criteria provided, single submitter. Criteria: Invitae Variant Classification Sherloc (09022015). Collection method: clinical testing. Allele origin: germline.
Comment: This sequence change replaces leucine with proline at codon 51 of the PRKDC protein (p.Leu51Pro). The leucine residue is moderately conserved and there is a moderate physicochemical difference between leucine and proline. In summary, the available evidence is currently insufficient to determine the role of this variant in disease. Therefore, it has been classified as a Variant of Uncertain Significance. Experimental studies and prediction algorithms are not available or were not evaluated, and the functional significance of this variant is currently unknown. This variant has not been reported in the literature in individuals with PRKDC-related conditions. The frequency data for this variant in the population databases is considered unreliable, as metrics indicate insufficient coverage at this position in the ExAC database.

NM_006904.7(PRKDC):c.152T>C (p.Leu51Pro)

Genes: PRKDC (protein kinase, DNA-activated, catalytic subunit; minus strand), LOC130000337 (ATAC-STARR-seq lymphoblastoid silent region 19176; plus strand). Cytogenetic location: 8q11.21.
Variant type: single nucleotide variant.
Coding change: c.152T>C on transcript NM_006904.7 (MANE Select); coding-DNA position 152, T replaced by C.
Protein change: p.Leu51Pro; replaces leucine 51 with proline.
Molecular consequence: missense variant.
Genome position (GRCh38, 1-based): chr8:47,959,975, A>G on the plus strand (T>C on the coding strand, the complement: PRKDC is on the minus strand). VCF-style: chr8-47959975-A-G. GRCh37 (hg19) VCF-style: chr8-48872535-A-G.
Other names: c.152T>C, p.Leu51Pro (NM_001081640.2); short protein forms L51P.
Identifiers: ClinVar variation 1014616 (VCV001014616.7), dbSNP rs1468283360, ClinGen allele CA371142575.